The following is an entry in ClinVar:

NM_170707.4(LMNA):c.859del (p.Ala287fs)

Gene: LMNA (lamin A/C; plus strand). Cytogenetic location: 1q22.
Variant type: Deletion.
Coding change: c.859del on transcript NM_170707.4 (MANE Select); coding-DNA position 859, one base deleted (G; older notation c.859delG).
Protein change: p.Ala287fs; shifts the reading frame from alanine 287.
Molecular consequence: frameshift variant.
Genome position (GRCh38, 1-based): chr1:156,135,235, G deleted; the last of 5 consecutive G bases (chr1:156,135,231-156,135,235); deleting any one gives the same sequence. VCF-style (leftmost placement, unchanged base first): chr1-156135230-TG-T. GRCh37 (hg19) VCF-style: chr1-156105021-TG-T.
Other names: c.523del, p.Ala175fs (NM_001257374.3); c.616del, p.Ala206fs (NM_001282624.2); c.859del, p.Ala287fs (NM_001282625.2, NM_001282626.2, NM_005572.4 and 1 more transcripts); c.855delG (NM_170707.2); short protein forms A287fs, A175fs, A206fs.
Identifiers: ClinVar variation 200959 (VCV000200959.2), dbSNP rs59564495, ClinGen allele CA018752.

ClinVar aggregate classification (germline): Pathogenic. Review status: criteria provided, single submitter (1 of 4 stars). 2 submissions from 2 submitters: Pathogenic (1). 1 of the submissions does not count toward it. Last evaluated 2013-10-03.

Submissions (2):

GeneDx
Classification: Pathogenic. Last evaluated: 2013-10-03. Review status: criteria provided, single submitter. Criteria: GeneDx Variant Classification (06012015). Collection method: clinical testing. Allele origin: germline. Affected: yes.
Comment: This mutation causes a shift in reading frame starting at codon Alanine 287, changing it to a Leucine, and creating a premature stop codon at position 193 of the new reading frame, denoted p.Ala287LeufsX193. This mutation is expected to result in either an abnormal, truncated protein product or loss of protein from this allele through nonsense-mediated mRNA decay. Other frameshift mutations in the LMNA gene have been reported in association with DCM. In summary, c.859delG in the LMNA gene is interpreted as a disease-causing mutation.

Epithelial Biology;  Institute of Medical Biology, Singapore
No classification provided. Review status: no classification provided. Collection method: not provided. Allele origin: not provided. Not counted in ClinVar's aggregate classification.